The following is an entry in ClinVar:

ClinVar aggregate classification (germline): Uncertain significance (1 of 4 stars; one submission).

Conditions:
LEPR-related disorder. Also called: LEPR-related condition; LEPR-related disorders.

Submission:

PreventionGenetics, part of Exact Sciences
Classification: Uncertain significance for LEPR-related condition. Last evaluated: 2026-04-14. Review status: criteria provided, single submitter. Criteria: ACMG Guidelines, 2015. Collection method: clinical testing. Allele origin: germline.
Comment: The LEPR c.2905G>A variant is predicted to result in the amino acid substitution p.Gly969Ser. To our knowledge, this variant has not been reported in the literature or in a large population database (gnomAD), indicating this variant is rare. At this time, the clinical significance of this variant is uncertain due to the absence of conclusive functional and genetic evidence.

NM_002303.6(LEPR):c.2905G>A (p.Gly969Ser)

Gene: LEPR (leptin receptor; plus strand). Cytogenetic location: 1p31.3.
Variant type: single nucleotide variant.
Coding change: c.2905G>A on transcript NM_002303.6 (MANE Select); coding-DNA position 2905, G replaced by A.
Protein change: p.Gly969Ser; replaces glycine 969 with serine.
Molecular consequence: missense variant.
Genome position (GRCh38, 1-based): chr1:65,636,422, G>A. VCF-style: chr1-65636422-G-A. GRCh37 (hg19) VCF-style: chr1-66102105-G-A.
Other names: short protein forms G969S.
Identifiers: ClinVar variation 4991063 (VCV004991063.1).